The following is an entry in ClinVar:

ClinVar aggregate classification (germline): Uncertain significance (1 of 4 stars; one submission).

Submission:

GeneDx
Classification: Uncertain significance. Last evaluated: 2024-03-07. Review status: criteria provided, single submitter. Criteria: GeneDx Variant Classification Process June 2021. Collection method: clinical testing. Allele origin: germline. Affected: yes.
Comment: Not observed at significant frequency in large population cohorts (gnomAD); In silico analysis supports that this missense variant has a deleterious effect on protein structure/function; Has not been previously published as pathogenic or benign to our knowledge; This variant is associated with the following publications: (PMID: 27721487)

NM_016222.4(DDX41):c.782T>A (p.Leu261His)

Gene: DDX41 (DEAD-box helicase 41; minus strand). Cytogenetic location: 5q35.3.
Variant type: single nucleotide variant.
Coding change: c.782T>A on transcript NM_016222.4 (MANE Select); coding-DNA position 782, T replaced by A.
Protein change: p.Leu261His; replaces leucine 261 with histidine.
Molecular consequence: missense variant.
Genome position (GRCh38, 1-based): chr5:177,514,932, A>T on the plus strand (T>A on the coding strand, the complement: DDX41 is on the minus strand). VCF-style: chr5-177514932-A-T. GRCh37 (hg19) VCF-style: chr5-176941933-A-T.
Other names: c.404T>A, p.Leu135His (NM_001321732.2, NM_001321830.2); short protein forms L135H, L261H.
Identifiers: ClinVar variation 3373684 (VCV003373684.1).
Genomic context (GRCh38, chr5:177,514,932, plus strand): 5'-GCAGCCCCAATCTCTGGCCTGCCCTCCAGGCCAGCCTATCTTACCGAGGGGCAGATGATG[A>T]GTCCATAGGGCCCCTCGCGCTTTGAGAAGGGTAACCTCTTCTCTTGTTCCAGGCAGAACA-3'
Protein context (NP_057306.2, residues 251-271): PFSKREGPYG[Leu261His]IICPSRELAR